The following is an entry in ClinVar:

NM_001868.4(CPA1):c.887A>G (p.His296Arg)

Gene: CPA1 (carboxypeptidase A1; plus strand). Cytogenetic location: 7q32.2.
Variant type: single nucleotide variant.
Coding change: c.887A>G on transcript NM_001868.4 (MANE Select); coding-DNA position 887, A replaced by G.
Protein change: p.His296Arg; replaces histidine 296 with arginine.
Molecular consequence: missense variant.
Genome position (GRCh38, 1-based): chr7:130,385,245, A>G. VCF-style: chr7-130385245-A-G. GRCh37 (hg19) VCF-style: chr7-130025086-A-G.
Other names: short protein forms H296R.
Identifiers: ClinVar variation 4750577 (VCV004750577.1).

ClinVar aggregate classification (germline): Uncertain significance (1 of 4 stars; one submission).

Submission:

Labcorp Genetics (formerly Invitae), Labcorp
Classification: Uncertain significance. Last evaluated: 2025-12-17. Review status: criteria provided, single submitter. Criteria: Invitae Variant Classification Sherloc (09022015). Collection method: clinical testing. Allele origin: germline.
Comment: This sequence change replaces histidine, which is basic and polar, with arginine, which is basic and polar, at codon 296 of the CPA1 protein (p.His296Arg). This variant is not present in population databases (gnomAD no frequency). This variant has not been reported in the literature in individuals affected with CPA1-related conditions. Invitae Evidence Modeling of protein sequence and biophysical properties (such as structural, functional, and spatial information, amino acid conservation, physicochemical variation, residue mobility, and thermodynamic stability) indicates that this missense variant is not expected to disrupt CPA1 protein function with a negative predictive value of 80%. In summary, the available evidence is currently insufficient to determine the role of this variant in disease. Therefore, it has been classified as a Variant of Uncertain Significance.